The following is an entry in ClinVar:

ClinVar aggregate classification (germline): Benign/Likely benign. Review status: criteria provided, multiple submitters, no conflicts (2 of 4 stars). 2 submissions from 2 submitters: Benign (1); Likely benign (1). Last evaluated 2026-09-18.

Conditions:
Colorectal cancer, hereditary nonpolyposis, type 7. Identifiers: Orphanet 144, MedGen C1858380, MONDO:0013725, OMIM 614385.

Allele frequency attached by ClinVar (database versions not stated): ExAC 0.00001; gnomAD exomes below 0.00001.
gnomAD v4.1: 1 of 1,614,232 alleles (0.000062%); highest among the groups gnomAD compares: South Asian, 0.0011%; no homozygotes.

Submissions (2):

Myriad Genetics, Inc.
Classification: Benign for Colorectal cancer, hereditary nonpolyposis, type 7. Last evaluated: 2026-09-18. Review status: criteria provided, single submitter. Criteria: Myriad Autosomal Dominant, Autosomal Recessive and X-Linked Classification Criteria (2023). Collection method: clinical testing. Allele origin: unknown.
Comment: This variant is considered benign. This variant is a silent/synonymous amino acid change and it is not expected to impact splicing.

Ambry Genetics
Classification: Likely benign. Last evaluated: 2023-01-23. Review status: criteria provided, single submitter. Criteria: Ambry Variant Classification Scheme 2023. Collection method: clinical testing. Allele origin: germline.

NM_001040108.2(MLH3):c.432T>C (p.Thr144=)

Gene: MLH3 (mutL homolog 3; minus strand). Cytogenetic location: 14q24.3.
Variant type: single nucleotide variant.
Coding change: c.432T>C on transcript NM_001040108.2 (MANE Select); coding-DNA position 432, T replaced by C.
Protein change: p.Thr144=; no amino-acid change (threonine 144 retained).
Molecular consequence: synonymous variant.
Genome position (GRCh38, 1-based): chr14:75,049,224, A>G on the plus strand (T>C on the coding strand, the complement: MLH3 is on the minus strand). VCF-style: chr14-75049224-A-G. GRCh37 (hg19) VCF-style: chr14-75515927-A-G.
Other names: c.432T>C, p.Thr144= (NM_014381.3).
Identifiers: ClinVar variation 2448656 (VCV002448656.3), dbSNP rs757190143, ClinGen allele CA7276031.